The following is an entry in ClinVar:

ClinVar aggregate classification (germline): Conflicting classifications of pathogenicity. Review status: criteria provided, conflicting classifications (1 of 4 stars). 8 submissions from 8 submitters: Uncertain significance (2); Benign (2); Likely benign (2). 2 of the submissions do not count toward it. Last evaluated 2026-08-01.

Conditions:
Autosomal recessive limb-girdle muscular dystrophy type 2N. Also called: MUSCULAR DYSTROPHY-DYSTROGLYCANOPATHY, LIMB-GIRDLE, POMT2-RELATED; Muscular dystrophy-dystroglycanopathy (limb-girdle), type C, 2. Identifiers: Orphanet 206559, MedGen C3150418, MONDO:0013162, OMIM 613158.
Muscular dystrophy-dystroglycanopathy (congenital with brain and eye anomalies), type A2. Also called: MUSCULAR DYSTROPHY-DYSTROGLYCANOPATHY (CONGENITAL WITH BRAIN AND EYE ANOMALIES), TYPE A, 2; WALKER-WARBURG SYNDROME OR MUSCLE-EYE-BRAIN DISEASE, POMT2-RELATED. Identifiers: Orphanet 588, Orphanet 899, MedGen C3150411, MONDO:0013154, OMIM 613150.
Muscular dystrophy-dystroglycanopathy (congenital with impaired intellectual development), type B, 2. Also called: MUSCULAR DYSTROPHY, CONGENITAL, POMT2-RELATED; Muscular dystrophy-dystroglycanopathy (congenital with intellectual disability), type B2. Identifiers: MedGen C3150416, MONDO:0013160, OMIM 613156.

Allele frequency attached by ClinVar (database versions not stated): ExAC 0.00028; gnomAD 0.00058 and 0.00062; ESP Exome Variant Server 0.00062; 1000 Genomes Project 30x 0.00078; 1000 Genomes Project 0.00080; TOPMed 0.00107.
gnomAD v4.1: 513 of 1,614,146 alleles (0.032%); highest among the groups gnomAD compares: Middle Eastern, 0.25%; no homozygotes.

Submissions (8):

CeGaT Center for Human Genetics Tuebingen
Classification: Likely benign. Last evaluated: 2026-08-01. Review status: criteria provided, single submitter. Criteria: CeGaT Center For Human Genetics Tuebingen Variant Classification Criteria Version 2. Collection method: clinical testing. Allele origin: germline. Affected: yes. Observed: 6 variant alleles.
Comment: POMT2: BP4, BP7

Labcorp Genetics (formerly Invitae), Labcorp
Classification: Likely benign for Muscular dystrophy-dystroglycanopathy (congenital with impaired intellectual development), type B, 2; Muscular dystrophy-dystroglycanopathy (congenital with brain and eye anomalies), type A2; Autosomal recessive limb-girdle muscular dystrophy type 2N. Last evaluated: 2026-02-04. Review status: criteria provided, single submitter. Criteria: Invitae Variant Classification Sherloc (09022015). Collection method: clinical testing. Allele origin: germline.

Athena Diagnostics
Classification: Benign. Last evaluated: 2023-12-19. Review status: criteria provided, single submitter. Criteria: Athena Diagnostics Criteria. Collection method: clinical testing. Allele origin: unknown.

Eurofins Ntd Llc (ga)
Classification: Uncertain significance. Last evaluated: 2018-06-11. Review status: criteria provided, single submitter. Criteria: EGL ClinVar v180209 classification definitions. Collection method: clinical testing. Allele origin: germline. Observed: 7 variant alleles, 7 heterozygotes.

Illumina Laboratory Services, Illumina
Classification: Uncertain significance for Autosomal recessive limb-girdle muscular dystrophy type 2N. Last evaluated: 2018-01-13. Review status: criteria provided, single submitter. Criteria: ICSL Variant Classification Criteria 13 December 2019. Collection method: clinical testing. Allele origin: germline.

GeneDx
Classification: Benign. Last evaluated: 2015-04-06. Review status: criteria provided, single submitter. Criteria: GeneDx Variant Classification (06012015). Collection method: clinical testing. Allele origin: germline. Affected: yes.
Comment: This variant is considered likely benign or benign based on one or more of the following criteria: it is a conservative change, it occurs at a poorly conserved position in the protein, it is predicted to be benign by multiple in silico algorithms, and/or has population frequency not consistent with disease.

Clinical Genetics DNA and cytogenetics Diagnostics Lab, Erasmus MC, Erasmus Medical Center
Classification: Likely benign. Review status: no assertion criteria provided. Collection method: clinical testing. Allele origin: germline. Affected: yes. Study: VKGL Data-share Consensus. Not counted in ClinVar's aggregate classification.

Genome Diagnostics Laboratory, University Medical Center Utrecht
Classification: Likely benign. Review status: no assertion criteria provided. Collection method: clinical testing. Allele origin: germline. Affected: yes. Study: VKGL Data-share Consensus. Not counted in ClinVar's aggregate classification.

NM_013382.7(POMT2):c.1701C>G (p.Pro567=)

Gene: POMT2 (protein O-mannosyltransferase 2; minus strand). Cytogenetic location: 14q24.3.
Variant type: single nucleotide variant.
Coding change: c.1701C>G on transcript NM_013382.7 (MANE Select); coding-DNA position 1701, C replaced by G.
Protein change: p.Pro567=; no amino-acid change (proline 567 retained).
Molecular consequence: synonymous variant.
Genome position (GRCh38, 1-based): chr14:77,280,416, G>C on the plus strand (C>G on the coding strand, the complement: POMT2 is on the minus strand). VCF-style: chr14-77280416-G-C. GRCh37 (hg19) VCF-style: chr14-77746759-G-C.
Identifiers: ClinVar variation 194648 (VCV000194648.62), dbSNP rs151051452, ClinGen allele CA240732.